The following is an entry in ClinVar:

NM_001735.3(C5):c.98T>C (p.Val33Ala)

Gene: C5 (complement C5; minus strand). Cytogenetic location: 9q33.2.
Variant type: single nucleotide variant.
Coding change: c.98T>C on transcript NM_001735.3 (MANE Select); coding-DNA position 98, T replaced by C.
Protein change: p.Val33Ala; replaces valine 33 with alanine.
Molecular consequence: missense variant.
Genome position (GRCh38, 1-based): chr9:121,046,351, A>G on the plus strand (T>C on the coding strand, the complement: C5 is on the minus strand). VCF-style: chr9-121046351-A-G. GRCh37 (hg19) VCF-style: chr9-123808629-A-G.
Other names: c.116T>C, p.Val39Ala (NM_001317163.2); c.98T>C, p.Val33Ala (NM_001317164.2); short protein forms V33A, V39A.
Identifiers: ClinVar variation 2087374 (VCV002087374.4), dbSNP rs2540461208, ClinGen allele CA374733222.

ClinVar aggregate classification (germline): Uncertain significance (1 of 4 stars; one submission).

Submission:

Labcorp Genetics (formerly Invitae), Labcorp
Classification: Uncertain significance. Last evaluated: 2025-07-28. Review status: criteria provided, single submitter. Criteria: Invitae Variant Classification Sherloc (09022015). Collection method: clinical testing. Allele origin: germline.
Comment: This sequence change replaces valine, which is neutral and non-polar, with alanine, which is neutral and non-polar, at codon 33 of the C5 protein (p.Val33Ala). This variant is not present in population databases (gnomAD no frequency). This variant has not been reported in the literature in individuals affected with C5-related conditions. ClinVar contains an entry for this variant (Variation ID: 2087374). Invitae Evidence Modeling of protein sequence and biophysical properties (such as structural, functional, and spatial information, amino acid conservation, physicochemical variation, residue mobility, and thermodynamic stability) indicates that this missense variant is not expected to disrupt C5 protein function with a negative predictive value of 80%. In summary, the available evidence is currently insufficient to determine the role of this variant in disease. Therefore, it has been classified as a Variant of Uncertain Significance.